The following is an entry in ClinVar:

ClinVar aggregate classification (germline): Uncertain significance (1 of 4 stars; one submission).

Conditions:
Inborn genetic diseases. Identifiers: MedGen C0950123, MeSH D030342.

Submission:

Ambry Genetics
Classification: Uncertain significance for Inborn genetic diseases. Last evaluated: 2025-12-15. Review status: criteria provided, single submitter. Criteria: Ambry Variant Classification Scheme 2023. Collection method: clinical testing. Allele origin: germline.
Comment: The p.A686D variant (also known as c.2057C>A), located in coding exon 23 of the FANCA gene, results from a C to A substitution at nucleotide position 2057. The alanine at codon 686 is replaced by aspartic acid, an amino acid with dissimilar properties. This amino acid position is conserved. In addition, this alteration is predicted to be tolerated by in silico analysis. Based on the available evidence, the clinical significance of this variant remains unclear.

NM_000135.4(FANCA):c.2057C>A (p.Ala686Asp)

Gene: FANCA (FA complementation group A; minus strand). Cytogenetic location: 16q24.3.
Variant type: single nucleotide variant.
Coding change: c.2057C>A on transcript NM_000135.4 (MANE Select); coding-DNA position 2057, C replaced by A.
Protein change: p.Ala686Asp; replaces alanine 686 with aspartic acid.
Molecular consequence: missense variant.
Genome position (GRCh38, 1-based): chr16:89,771,772, G>T on the plus strand (C>A on the coding strand, the complement: FANCA is on the minus strand). VCF-style: chr16-89771772-G-T. GRCh37 (hg19) VCF-style: chr16-89838180-G-T.
Other names: c.2057C>A, p.Ala686Asp (NM_001286167.3); short protein forms A686D.
Identifiers: ClinVar variation 4843002 (VCV004843002.1).